The following is an entry in ClinVar:

ClinVar aggregate classification (germline): Uncertain significance (1 of 4 stars; one submission).

Allele frequency attached by ClinVar (database versions not stated): TOPMed below 0.00001.

Submission:

Labcorp Genetics (formerly Invitae), Labcorp
Classification: Uncertain significance. Last evaluated: 2025-05-29. Review status: criteria provided, single submitter. Criteria: Invitae Variant Classification Sherloc (09022015). Collection method: clinical testing. Allele origin: germline.
Comment: This sequence change affects codon 212 of the GPR45 mRNA. It is a 'silent' change, meaning that it does not change the encoded amino acid sequence of the GPR45 protein. This variant is not present in population databases (gnomAD no frequency). This variant has not been reported in the literature in individuals affected with GPR45-related conditions. ClinVar contains an entry for this variant (Variation ID: 2720507). In summary, the available evidence is currently insufficient to determine the role of this variant in disease. Therefore, it has been classified as a Variant of Uncertain Significance.

NM_007227.3(GPR45):c.636G>A (p.Leu212=)

Gene: GPR45 (G protein-coupled receptor 45; plus strand). Cytogenetic location: 2q12.1.
Variant type: single nucleotide variant.
Coding change: c.636G>A on transcript NM_007227.3 (MANE Select); coding-DNA position 636, G replaced by A.
Protein change: p.Leu212=; no amino-acid change (leucine 212 retained).
Molecular consequence: synonymous variant.
Genome position (GRCh38, 1-based): chr2:105,242,494, G>A. VCF-style: chr2-105242494-G-A. GRCh37 (hg19) VCF-style: chr2-105858951-G-A.
Identifiers: ClinVar variation 2720507 (VCV002720507.3), dbSNP rs1676371093, ClinGen allele CA428208385.